The following is an entry in ClinVar:

NM_030665.4(RAI1):c.4827C>T (p.Thr1609=)

Gene: RAI1 (retinoic acid induced 1; plus strand). Cytogenetic location: 17p11.2.
Variant type: single nucleotide variant.
Coding change: c.4827C>T on transcript NM_030665.4 (MANE Select); coding-DNA position 4827, C replaced by T.
Protein change: p.Thr1609=; no amino-acid change (threonine 1609 retained).
Molecular consequence: synonymous variant.
Genome position (GRCh38, 1-based): chr17:17,797,775, C>T. VCF-style: chr17-17797775-C-T. GRCh37 (hg19) VCF-style: chr17-17701089-C-T.
Identifiers: ClinVar variation 1189266 (VCV001189266.15), dbSNP rs138033172, ClinGen allele CA8419039.

ClinVar aggregate classification (germline): Likely benign. Review status: criteria provided, multiple submitters, no conflicts (2 of 4 stars). 4 submissions from 4 submitters: Likely benign (3). 1 of the submissions does not count toward it. Last evaluated 2025-12-15.

Conditions:
RAI1-related disorder. Also called: RAI1-related condition.
Inborn genetic diseases. Identifiers: MedGen C0950123, MeSH D030342.

Allele frequency attached by ClinVar (database versions not stated): gnomAD exomes 0.00002; ExAC 0.00006; ESP Exome Variant Server 0.00015; gnomAD 0.00026 and 0.00031; TOPMed 0.00028.
gnomAD v4.1: 68 of 1,614,018 alleles (0.0042%); highest among the groups gnomAD compares: African/African-American, 0.073%; no homozygotes.

Submissions (4):

Labcorp Genetics (formerly Invitae), Labcorp
Classification: Likely benign. Last evaluated: 2025-12-15. Review status: criteria provided, single submitter. Criteria: Invitae Variant Classification Sherloc (09022015). Collection method: clinical testing. Allele origin: germline.

GeneDx
Classification: Likely benign. Last evaluated: 2020-10-23. Review status: criteria provided, single submitter. Criteria: GeneDx Variant Classification Process June 2021. Collection method: clinical testing. Allele origin: germline. Affected: yes.

Ambry Genetics
Classification: Likely benign for Inborn genetic diseases. Last evaluated: 2017-06-14. Review status: criteria provided, single submitter. Criteria: Ambry Variant Classification Scheme 2023. Collection method: clinical testing. Allele origin: germline.

PreventionGenetics, part of Exact Sciences
Classification: Likely benign for RAI1-related condition. Last evaluated: 2019-09-17. Review status: no assertion criteria provided. Collection method: clinical testing. Allele origin: germline. Not counted in ClinVar's aggregate classification.
Comment: This variant is classified as likely benign based on ACMG/AMP sequence variant interpretation guidelines (Richards et al. 2015 PMID: 25741868, with internal and published modifications).